The following is an entry in ClinVar:

NM_004963.4(GUCY2C):c.1170+4T>C

Genes: GUCY2C (guanylate cyclase 2C; minus strand), GUCY2C-AS1 (GUCY2C antisense RNA 1; plus strand). Cytogenetic location: 12p12.3.
Variant type: single nucleotide variant.
Coding change: c.1170+4T>C on transcript NM_004963.4 (MANE Select); 4 bases into the intron after coding-DNA position 1170, T replaced by C.
Molecular consequence: intron variant.
Genome position (GRCh38, 1-based): chr12:14,672,869, A>G on the plus strand (T>C on the coding strand, the complement: GUCY2C is on the minus strand). VCF-style: chr12-14672869-A-G. GRCh37 (hg19) VCF-style: chr12-14825803-A-G.
Identifiers: ClinVar variation 1930490 (VCV001930490.5), dbSNP rs752009818, ClinGen allele CA6463523.
Genomic context (GRCh38, chr12:14,672,869, plus strand): 5'-TCCAAGTTACCCCTCCTCACCCAGTCACAGCACCCTGAATTTTCTGATAAGCAGTGAGAC[A>G]TACTTTCTTGGTGTCCACAGAGGTATACAGAAGCACCATGGTACTGTCAACATCCCCCCA-3'

ClinVar aggregate classification (germline): Uncertain significance (1 of 4 stars; one submission).

Allele frequency attached by ClinVar (database versions not stated): gnomAD exomes 0.00001; ExAC 0.00002.
gnomAD v4.1: 19 of 1,557,384 alleles (0.0012%); highest among the groups gnomAD compares: South Asian, 0.021%; 1 homozygote.

Submission:

Labcorp Genetics (formerly Invitae), Labcorp
Classification: Uncertain significance. Last evaluated: 2025-03-11. Review status: criteria provided, single submitter. Criteria: Invitae Variant Classification Sherloc (09022015). Collection method: clinical testing. Allele origin: germline.
Comment: This sequence change falls in intron 9 of the GUCY2C gene. It does not directly change the encoded amino acid sequence of the GUCY2C protein. It affects a nucleotide within the consensus splice site. This variant is present in population databases (rs752009818, gnomAD 0.02%). This variant has not been reported in the literature in individuals affected with GUCY2C-related conditions. ClinVar contains an entry for this variant (Variation ID: 1930490). Variants that disrupt the consensus splice site are a relatively common cause of aberrant splicing (PMID: 17576681, 9536098). Algorithms developed to predict the effect of sequence changes on RNA splicing suggest that this variant is not likely to affect RNA splicing. In summary, the available evidence is currently insufficient to determine the role of this variant in disease. Therefore, it has been classified as a Variant of Uncertain Significance.

Literature cited by the submitters: PubMed 17576681; PubMed 9536098.